The following is an entry in ClinVar:

NM_152564.5(VPS13B):c.11016_11034del (p.Thr3673fs)

Gene: VPS13B (vacuolar protein sorting 13 homolog B; plus strand). Cytogenetic location: 8q22.2.
Variant type: Deletion.
Coding change: c.11016_11034del on transcript NM_152564.5 (MANE Select); coding-DNA positions 11016 to 11034, 19 bases deleted (CACATCGTTTGTAAAGCAC).
Protein change: p.Thr3673fs; shifts the reading frame from threonine 3673.
Molecular consequence: frameshift variant.
Genome position (GRCh38, 1-based): chr8:99,859,452-99,859,470, CACATCGTTTGTAAAGCAC deleted; deleting any 19 consecutive bases within chr8:99,859,450-99,859,470 gives the same sequence; the c. name uses the placement nearest the transcript's 3' end. VCF-style (leftmost placement, unchanged base first): chr8-99859449-GACCACATCGTTTGTAAAGC-G. GRCh37 (hg19) VCF-style: chr8-100871677-GACCACATCGTTTGTAAAGC-G.
Other names: c.11091_11109del, p.Thr3698fs (NM_017890.5); short protein forms T3673fs, T3698fs.
Identifiers: ClinVar variation 2501230 (VCV002501230.1), dbSNP rs2492278857, ClinGen allele CA2580617215.

ClinVar aggregate classification (germline): Likely pathogenic (1 of 4 stars; one submission).

Conditions:
Cohen syndrome (COH1). Also called: PEPPER SYNDROME; Cutis verticis gyrata, retinitis pigmentosa, and sensorineural deafness. Identifiers: Orphanet 193, MedGen C0265223, MONDO:0008999, OMIM 216550.

Submission:

Women's Health and Genetics/Laboratory Corporation of America, LabCorp
Classification: Likely pathogenic for Cohen syndrome. Last evaluated: 2023-03-28. Review status: criteria provided, single submitter. Criteria: LabCorp Variant Classification Summary - May 2015. Collection method: clinical testing. Allele origin: germline.
Comment: Variant summary: VPS13B c.11091_11109del19 (p.Thr3698SerfsX66) results in a premature termination codon, predicted to cause a truncation of the encoded protein or absence of the protein due to nonsense mediated decay, which are commonly known mechanisms for disease. Truncations downstream of this position have been classified as pathogenic by our laboratory. The variant was absent in 251396 control chromosomes (gnomAD). To our knowledge, no occurrence of c.11091_11109del19 in individuals affected with Cohen Syndrome and no experimental evidence demonstrating its impact on protein function have been reported. No clinical diagnostic laboratories have submitted clinical-significance assessments for this variant to ClinVar after 2014. Based on the evidence outlined above, the variant was classified as likely pathogenic.